The following is an entry in ClinVar:

NC_000006.11:g.(?_80877375)_(80881127_?)dup

Gene: BCKDHB (branched chain keto acid dehydrogenase E1 subunit beta; plus strand). Cytogenetic location: 6q14.1.
Variant type: Duplication.
Identifiers: ClinVar variation 1020708 (VCV001020708.5).

ClinVar aggregate classification (germline): Uncertain significance (1 of 4 stars; one submission).

Conditions:
Maple syrup urine disease (MSUD). Identifiers: Orphanet 511, MedGen C0024776, MeSH D008375, MONDO:0009563. Disease mechanism: loss of function.

Submission:

Labcorp Genetics (formerly Invitae), Labcorp
Classification: Uncertain significance for Maple syrup urine disease. Last evaluated: 2020-06-10. Review status: criteria provided, single submitter. Criteria: Invitae Variant Classification Sherloc (09022015). Collection method: clinical testing. Allele origin: germline.
Comment: This variant results in a copy number gain of the genomic region encompassing exon(s) 4-6 of the BCKDHB gene. While the exact position of this variant cannot be determined from the data, sub-genic copy number gains are generally in tandem (PMID: 25640679). This variant is predicted to be in-frame, and likely preserves the integrity of the reading frame. This variant has not been reported in the literature in individuals with BCKDHB-related conditions. Experimental studies and prediction algorithms are not available or were not evaluated, and the functional significance of this variant is currently unknown. In summary, the available evidence is currently insufficient to determine the role of this variant in disease. Therefore, it has been classified as a Variant of Uncertain Significance.

Literature cited by the submitters: PubMed 25640679.